The following is an entry in ClinVar:

ClinVar aggregate classification (germline): Conflicting classifications of pathogenicity. Review status: criteria provided, conflicting classifications (1 of 4 stars). 5 submissions from 5 submitters: Uncertain significance (3); Likely benign (1). 1 of the submissions does not count toward it. Last evaluated 2025-12-16.

Conditions:
NPHP4-related disorder. Also called: NPHP4-related condition; NPHP4-related disorders. Identifiers: MedGen CN239384.
Senior-Loken syndrome 4 (SLSN4). Identifiers: Orphanet 3156, MedGen C1846979, MONDO:0011756, OMIM 606996.
Nephronophthisis 4 (NPHP4). Also called: NEPHRONOPHTHISIS 4, JUVENILE. Identifiers: Orphanet 655, MedGen C1847013, MONDO:0011752, OMIM 606966.
Nephronophthisis. Also called: Juvenile Nephronophthisis. Identifiers: Orphanet 655, MedGen C0687120, MONDO:0019005, HP:0000090.

Allele frequency attached by ClinVar (database versions not stated): TOPMed 0.00002; gnomAD 0.00003; ESP Exome Variant Server 0.00016.
gnomAD v4.1: 59 of 1,612,724 alleles (0.0037%); highest among the groups gnomAD compares: South Asian, 0.0066%; no homozygotes.

Submissions (6):

Labcorp Genetics (formerly Invitae), Labcorp
Classification: Likely benign for Nephronophthisis. Last evaluated: 2025-12-16. Review status: criteria provided, single submitter. Criteria: Invitae Variant Classification Sherloc (09022015). Collection method: clinical testing. Allele origin: germline.

Blueprint Genetics
Classification: Uncertain significance. Last evaluated: 2024-08-12. Review status: criteria provided, single submitter. Criteria: ACMG Guidelines, 2015. Collection method: clinical testing. Allele origin: germline.

Fulgent Genetics
Classification: Uncertain significance for Nephronophthisis 4; Senior-Loken syndrome 4. Last evaluated: 2024-02-13. Review status: criteria provided, single submitter. Criteria: ACMG Guidelines, 2015. Collection method: clinical testing. Allele origin: germline.

Eurofins Ntd Llc (ga)
Classification: Uncertain significance. Last evaluated: 2016-12-09. Review status: criteria provided, single submitter. Criteria: EGL Classification Definitions 2015. Collection method: clinical testing. Allele origin: germline. Observed: 1 variant allele, 1 heterozygote.

PreventionGenetics, part of Exact Sciences
Classification: Likely benign for NPHP4-related condition. Last evaluated: 2024-08-30. Review status: no assertion criteria provided. Collection method: clinical testing. Allele origin: germline. Not counted in ClinVar's aggregate classification.
Comment: This variant is classified as likely benign based on ACMG/AMP sequence variant interpretation guidelines (Richards et al. 2015 PMID: 25741868, with internal and published modifications).

Dr. Peter K. Rogan Lab, Western University
No classification provided (evidence only). Condition: Melanoma. Review status: no classification provided. Collection method: in vitro. Allele origin: not applicable. Functional consequence: retained intron. Not counted in ClinVar's aggregate classification.

NM_015102.5(NPHP4):c.3417G>A (p.Pro1139=)

Gene: NPHP4 (nephrocystin 4; minus strand). Cytogenetic location: 1p36.31.
Variant type: single nucleotide variant.
Coding change: c.3417G>A on transcript NM_015102.5 (MANE Select); coding-DNA position 3417, G replaced by A.
Protein change: p.Pro1139=; no amino-acid change (proline 1139 retained).
Molecular consequence: synonymous variant. On other transcripts: non-coding transcript variant (1).
Genome position (GRCh38, 1-based): chr1:5,867,795, C>T on the plus strand (G>A on the coding strand, the complement: NPHP4 is on the minus strand). VCF-style: chr1-5867795-C-T. GRCh37 (hg19) VCF-style: chr1-5927855-C-T.
Other names: c.3417G>A (NM_015102.4); c.1878G>A, p.Pro626= (NM_001291593.2); c.1881G>A, p.Pro627= (NM_001291594.2).
Identifiers: ClinVar variation 499211 (VCV000499211.18), dbSNP rs371527260, ClinGen allele CA553621.